The following is an entry in ClinVar:

ClinVar aggregate classification (germline): Uncertain significance (1 of 4 stars; one submission).

Conditions:
Intellectual developmental disorder, autosomal recessive 57. Also called: Intellectual disability, autosomal recessive 57. Identifiers: MedGen C4310673, MONDO:0014962, OMIM 617188.

Allele frequency attached by ClinVar (database versions not stated): gnomAD exomes below 0.00001.
gnomAD v4.1: 2 of 1,613,688 alleles (0.00012%); highest among the groups gnomAD compares: Non-Finnish European, 0.00017%; no homozygotes.

Submission:

Baylor Genetics
Classification: Uncertain significance for Intellectual developmental disorder, autosomal recessive 57. Last evaluated: 2018-01-29. Review status: criteria provided, single submitter. Criteria: ACMG Guidelines, 2015. Collection method: clinical testing. Allele origin: unknown. Affected: yes.
Comment: This variant was determined to be of uncertain significance according to ACMG Guidelines, 2015 [PMID:25741868].

NM_024298.5(MBOAT7):c.937G>T (p.Val313Leu)

Gene: MBOAT7 (membrane bound acylglycerophosphatidylinositol O-acyltransferase MBOAT7; minus strand). Cytogenetic location: 19q13.42.
Variant type: single nucleotide variant.
Coding change: c.937G>T on transcript NM_024298.5 (MANE Select); coding-DNA position 937, G replaced by T.
Protein change: p.Val313Leu; replaces valine 313 with leucine.
Molecular consequence: missense variant.
Genome position (GRCh38, 1-based): chr19:54,178,859, C>A on the plus strand (G>T on the coding strand, the complement: MBOAT7 is on the minus strand). VCF-style: chr19-54178859-C-A. GRCh37 (hg19) VCF-style: chr19-54682576-C-A.
Other names: c.718G>T, p.Val240Leu (NM_001146056.3, NM_001146083.3); c.937G>T, p.Val313Leu (NM_001146082.3); short protein forms V313L, V240L.
Identifiers: ClinVar variation 1033623 (VCV001033623.1), dbSNP rs2076188195, ClinGen allele CA407792758.
Genomic context (GRCh38, chr19:54,178,859, plus strand): 5'-AGATATACTGCGCCAGCCACCACTGCACCGTCATGTTCCAGTACCGCATGCCATCGCGCA[C>A]CCGCACGCAGAAATCTGTGCTGTAGCAGTCGATGTTGCGGATGGTCTCATAGTCATACTC-3'
Protein context (NP_077274.3, residues 303-323): DCYSTDFCVR[Val313Leu]RDGMRYWNMT